The following is an entry in ClinVar:

ClinVar aggregate classification (germline): Uncertain significance (1 of 4 stars; one submission).

Conditions:
FRAS1-related disorder. Also called: FRAS1-related condition.

Submission:

PreventionGenetics, part of Exact Sciences
Classification: Uncertain significance for FRAS1-related condition. Last evaluated: 2023-04-26. Review status: criteria provided, single submitter. Criteria: ACMG Guidelines, 2015. Collection method: clinical testing. Allele origin: germline.
Comment: The FRAS1 c.8705C>A variant is predicted to result in the amino acid substitution p.Thr2902Asn. To our knowledge, this variant has not been reported in the literature or in a large population database, indicating this variant is rare. At this time, the clinical significance of this variant is uncertain due to the absence of conclusive functional and genetic evidence.

NM_025074.7(FRAS1):c.8705C>A (p.Thr2902Asn)

Gene: FRAS1 (Fraser extracellular matrix complex subunit 1; plus strand). Cytogenetic location: 4q21.21.
Variant type: single nucleotide variant.
Coding change: c.8705C>A on transcript NM_025074.7 (MANE Select); coding-DNA position 8705, C replaced by A.
Protein change: p.Thr2902Asn; replaces threonine 2902 with asparagine.
Molecular consequence: missense variant.
Genome position (GRCh38, 1-based): chr4:78,482,488, C>A. VCF-style: chr4-78482488-C-A. GRCh37 (hg19) VCF-style: chr4-79403642-C-A.
Other names: short protein forms T2902N.
Identifiers: ClinVar variation 2632929 (VCV002632929.1), dbSNP rs757116242, ClinGen allele CA357374782.